The following is an entry in ClinVar:

NM_015158.5(KANK1):c.1870G>C (p.Glu624Gln)

Gene: KANK1 (KN motif and ankyrin repeat domains 1; plus strand). Cytogenetic location: 9p24.3.
Variant type: single nucleotide variant.
Coding change: c.1870G>C on transcript NM_015158.5 (MANE Select); coding-DNA position 1870, G replaced by C.
Protein change: p.Glu624Gln; replaces glutamic acid 624 with glutamine.
Molecular consequence: missense variant. On other transcripts: non-coding transcript variant (1).
Genome position (GRCh38, 1-based): chr9:712,636, G>C. VCF-style: chr9-712636-G-C. GRCh37 (hg19) VCF-style: chr9-712636-G-C.
Other names: c.1870G>C, p.Glu624Gln (NM_001256876.3, NM_001256877.3, NM_001354331.2 and 2 more transcripts); c.1396G>C, p.Glu466Gln (NM_001354333.2, NM_001354335.2, NM_001354336.2 and 9 more transcripts); c.1870G>C (NM_015158.2); short protein forms E466Q, E624Q.
Identifiers: ClinVar variation 1413634 (VCV001413634.9), dbSNP rs955419588, ClinGen allele CA187837801.

ClinVar aggregate classification (germline): Uncertain significance. Review status: criteria provided, multiple submitters, no conflicts (2 of 4 stars). 2 submissions from 2 submitters: Uncertain significance (2). Last evaluated 2022-12-02.

Allele frequency attached by ClinVar (database versions not stated): gnomAD 0.00001; gnomAD exomes 0.00001 and 0.00002; TOPMed 0.00002.
gnomAD v4.1: 31 of 1,614,068 alleles (0.0019%); highest among the groups gnomAD compares: African/African-American, 0.0027%; no homozygotes.

Submissions (2):

Labcorp Genetics (formerly Invitae), Labcorp
Classification: Uncertain significance. Last evaluated: 2022-12-02. Review status: criteria provided, single submitter. Criteria: Invitae Variant Classification Sherloc (09022015). Collection method: clinical testing. Allele origin: germline.
Comment: In summary, the available evidence is currently insufficient to determine the role of this variant in disease. Therefore, it has been classified as a Variant of Uncertain Significance. Advanced modeling of protein sequence and biophysical properties (such as structural, functional, and spatial information, amino acid conservation, physicochemical variation, residue mobility, and thermodynamic stability) performed at Invitae indicates that this missense variant is not expected to disrupt KANK1 protein function. ClinVar contains an entry for this variant (Variation ID: 1413634). This variant has not been reported in the literature in individuals affected with KANK1-related conditions. This variant is present in population databases (no rsID available, gnomAD 0.004%). This sequence change replaces glutamic acid, which is acidic and polar, with glutamine, which is neutral and polar, at codon 624 of the KANK1 protein (p.Glu624Gln).

Ambry Genetics
Classification: Uncertain significance. Last evaluated: 2021-12-08. Review status: criteria provided, single submitter. Criteria: Ambry Variant Classification Scheme 2023. Collection method: clinical testing. Allele origin: germline.